The following is an entry in ClinVar:

NM_001379500.1(COL18A1):c.2113C>A (p.Pro705Thr)

Gene: COL18A1 (collagen type XVIII alpha 1 chain; plus strand). Cytogenetic location: 21q22.3.
Variant type: single nucleotide variant.
Coding change: c.2113C>A on transcript NM_001379500.1 (MANE Select); coding-DNA position 2113, C replaced by A.
Protein change: p.Pro705Thr; replaces proline 705 with threonine.
Molecular consequence: missense variant.
Genome position (GRCh38, 1-based): chr21:45,491,270, C>A. VCF-style: chr21-45491270-C-A. GRCh37 (hg19) VCF-style: chr21-46911184-C-A.
Other names: NM_130445.2:c.2113C>A; c.2653C>A, p.Pro885Thr (NM_030582.4); c.3358C>A, p.Pro1120Thr (NM_130444.3); short protein forms P885T, P1120T, P705T.
Identifiers: ClinVar variation 1356459 (VCV001356459.6), dbSNP rs765760874, ClinGen allele CA10066806.

ClinVar aggregate classification (germline): Uncertain significance. Review status: criteria provided, multiple submitters, no conflicts (2 of 4 stars). 3 submissions from 3 submitters: Uncertain significance (3). Last evaluated 2024-08-20.

Conditions:
Inborn genetic diseases. Identifiers: MedGen C0950123, MeSH D030342.

Allele frequency attached by ClinVar (database versions not stated): gnomAD 0.00001 and 0.00002.
gnomAD v4.1: 23 of 1,612,104 alleles (0.0014%); highest among the groups gnomAD compares: African/African-American, 0.013%; no homozygotes.

Submissions (3):

Ambry Genetics
Classification: Uncertain significance for Inborn genetic diseases. Last evaluated: 2024-08-20. Review status: criteria provided, single submitter. Criteria: Ambry Variant Classification Scheme 2023. Collection method: clinical testing. Allele origin: germline.

Blueprint Genetics
Classification: Uncertain significance. Last evaluated: 2023-03-29. Review status: criteria provided, single submitter. Criteria: ACMG Guidelines, 2015. Collection method: clinical testing. Allele origin: germline.

Labcorp Genetics (formerly Invitae), Labcorp
Classification: Uncertain significance. Last evaluated: 2022-09-27. Review status: criteria provided, single submitter. Criteria: Invitae Variant Classification Sherloc (09022015). Collection method: clinical testing. Allele origin: germline.
Comment: This sequence change replaces proline, which is neutral and non-polar, with threonine, which is neutral and polar, at codon 705 of the COL18A1 protein (p.Pro705Thr). This variant is present in population databases (rs765760874, gnomAD 0.003%). This variant has not been reported in the literature in individuals affected with COL18A1-related conditions. ClinVar contains an entry for this variant (Variation ID: 1356459). Experimental studies and prediction algorithms are not available or were not evaluated, and the functional significance of this variant is currently unknown. In summary, the available evidence is currently insufficient to determine the role of this variant in disease. Therefore, it has been classified as a Variant of Uncertain Significance.